The following is an entry in ClinVar:

ClinVar aggregate classification (germline): Pathogenic (1 of 4 stars; one submission).

Conditions:
Hereditary cancer-predisposing syndrome. Also called: Hereditary Cancer Syndrome; Hereditary neoplastic syndrome; Tumor predisposition; Neoplastic Syndromes, Hereditary. Identifiers: Orphanet 140162, MedGen C0027672, MeSH D009386, MONDO:0015356.

Submission:

Ambry Genetics
Classification: Pathogenic for Hereditary cancer-predisposing syndrome. Last evaluated: 2021-09-13. Review status: criteria provided, single submitter. Criteria: Ambry Variant Classification Scheme 2023. Collection method: clinical testing. Allele origin: germline.
Comment: The c.2313_2319delGCGGCTC pathogenic mutation, located in coding exon 4 of the MSH6 gene, results from a deletion of 7 nucleotides at nucleotide positions 2313 to 2319, causing a translational frameshift with a predicted alternate stop codon (p.K771Nfs*2). This alteration is expected to result in loss of function by premature protein truncation or nonsense-mediated mRNA decay. As such, this alteration is interpreted as a disease-causing mutation.

NM_000179.3(MSH6):c.2313_2319del (p.Lys771fs)

Gene: MSH6 (mutS homolog 6; plus strand). Cytogenetic location: 2p16.3.
Variant type: Deletion.
Coding change: c.2313_2319del on transcript NM_000179.3 (MANE Select); coding-DNA positions 2313 to 2319, 7 bases deleted (GCGGCTC; older notation c.2313_2319delGCGGCTC).
Protein change: p.Lys771fs; shifts the reading frame from lysine 771.
Molecular consequence: frameshift variant.
Genome position (GRCh38, 1-based): chr2:47,800,296-47,800,302, GCGGCTC deleted. VCF-style (leftmost placement, unchanged base first): chr2-47800295-AGCGGCTC-A. GRCh37 (hg19) VCF-style: chr2-48027434-AGCGGCTC-A.
Other names: c.2016_2022delGCGGCTC, p.Lys672Asnfs (NM_001406819.1, NM_001406820.1, NM_001406821.1 and 10 more transcripts); c.1407_1413delGCGGCTC, p.Lys469Asnfs (NM_001406823.1, NM_001406829.1, NM_001406811.1 and 4 more transcripts); c.2145_2151delGCGGCTC, p.Lys715Asnfs (NM_001406826.1); c.1923_1929del, p.Lys641fs (NM_001281492.2); c.1407_1413del, p.Lys469fs (NM_001281493.2, NM_001281494.2); c.2409_2415delGCGGCTC, p.Lys803Asnfs (NM_001406795.1, NM_001406802.1); c.2313_2319delGCGGCTC, p.Lys771Asnfs (NM_001406796.1, NM_001406798.1, NM_001406800.1 and 2 more transcripts); c.1788_1794delGCGGCTC, p.Lys596Asnfs (NM_001406799.1, NM_001406806.1, NM_001406807.1); and 2 more; short protein forms K771fs, K469fs, K641fs.
Identifiers: ClinVar variation 1789461 (VCV001789461.2), dbSNP rs2530664422, ClinGen allele CA2580067824.